The following is an entry in ClinVar:

NM_017802.4(DNAAF5):c.879C>A (p.Ser293Arg)

Gene: DNAAF5 (dynein axonemal assembly factor 5; plus strand). Cytogenetic location: 7p22.3.
Variant type: single nucleotide variant.
Coding change: c.879C>A on transcript NM_017802.4 (MANE Select); coding-DNA position 879, C replaced by A.
Protein change: p.Ser293Arg; replaces serine 293 with arginine.
Molecular consequence: missense variant. On other transcripts: non-coding transcript variant (1).
Genome position (GRCh38, 1-based): chr7:740,917, C>A. VCF-style: chr7-740917-C-A. GRCh37 (hg19) VCF-style: chr7-780554-C-A.
Other names: short protein forms S293R.
Identifiers: ClinVar variation 2161177 (VCV002161177.2), dbSNP rs768561699, ClinGen allele CA366534122.

ClinVar aggregate classification (germline): Uncertain significance (1 of 4 stars; one submission).

Conditions:
Primary ciliary dyskinesia. Also called: Ciliary dyskinesia. Identifiers: Orphanet 244, MedGen C0008780, MONDO:0016575, HP:0012265.

Allele frequency attached by ClinVar (database versions not stated): TOPMed below 0.00001.

Submission:

Labcorp Genetics (formerly Invitae), Labcorp
Classification: Uncertain significance for Primary ciliary dyskinesia. Last evaluated: 2021-12-21. Review status: criteria provided, single submitter. Criteria: Invitae Variant Classification Sherloc (09022015). Collection method: clinical testing. Allele origin: germline.
Comment: In summary, the available evidence is currently insufficient to determine the role of this variant in disease. Therefore, it has been classified as a Variant of Uncertain Significance. Algorithms developed to predict the effect of missense changes on protein structure and function are either unavailable or do not agree on the potential impact of this missense change (SIFT: "Deleterious"; PolyPhen-2: "Probably Damaging"; Align-GVGD: "Class C0"). This variant has not been reported in the literature in individuals affected with DNAAF5-related conditions. This variant is not present in population databases (gnomAD no frequency). This sequence change replaces serine, which is neutral and polar, with arginine, which is basic and polar, at codon 293 of the DNAAF5 protein (p.Ser293Arg).